The following is an entry in ClinVar:

NM_032520.5(GNPTG):c.371G>T (p.Arg124Met)

Gene: GNPTG (N-acetylglucosamine-1-phosphate transferase subunit gamma; plus strand). Cytogenetic location: 16p13.3.
Variant type: single nucleotide variant.
Coding change: c.371G>T on transcript NM_032520.5 (MANE Select); coding-DNA position 371, G replaced by T.
Protein change: p.Arg124Met; replaces arginine 124 with methionine.
Molecular consequence: missense variant.
Genome position (GRCh38, 1-based): chr16:1,362,091, G>T. VCF-style: chr16-1362091-G-T. GRCh37 (hg19) VCF-style: chr16-1412092-G-T.
Other names: short protein forms R124M.
Identifiers: ClinVar variation 838993 (VCV000838993.4), dbSNP rs1455293503, ClinGen allele CA394187301.
Genomic context (GRCh38, chr16:1,362,091, plus strand): 5'-TCCCCAGCATCTGGCACGAGTGGGAGATCGCCAACAACACCTTCACGGGCATGTGGATGA[G>T]GGACGGTGACGCCTGCCGTTCCCGGAGCCGGCAGAGCAAGGTGGGGCCTCAGACGGGAGC-3'
Protein context (NP_115909.1, residues 114-134): ANNTFTGMWM[Arg124Met]DGDACRSRSR

ClinVar aggregate classification (germline): Uncertain significance (1 of 4 stars; one submission).

Submission:

Labcorp Genetics (formerly Invitae), Labcorp
Classification: Uncertain significance. Last evaluated: 2021-09-01. Review status: criteria provided, single submitter. Criteria: Invitae Variant Classification Sherloc (09022015). Collection method: clinical testing. Allele origin: germline.
Comment: This sequence change replaces arginine with methionine at codon 124 of the GNPTG protein (p.Arg124Met). The arginine residue is moderately conserved and there is a moderate physicochemical difference between arginine and methionine. This variant is not present in population databases (ExAC no frequency). This variant has not been reported in the literature in individuals affected with GNPTG-related conditions. Algorithms developed to predict the effect of missense changes on protein structure and function are either unavailable or do not agree on the potential impact of this missense change (SIFT: "Tolerated"; PolyPhen-2: "Probably Damaging"; Align-GVGD: "Class C0"). In summary, the available evidence is currently insufficient to determine the role of this variant in disease. Therefore, it has been classified as a Variant of Uncertain Significance.